The following is an entry in ClinVar:

ClinVar aggregate classification (germline): Pathogenic (1 of 4 stars; one submission).

Conditions:
Nemaline myopathy 2 (NEM2). Also called: Nemaline myopathy 2, autosomal recessive. Identifiers: MedGen C1850569, MONDO:0009725, OMIM 256030.

Submission:

Labcorp Genetics (formerly Invitae), Labcorp
Classification: Pathogenic for Nemaline myopathy 2. Last evaluated: 2023-05-02. Review status: criteria provided, single submitter. Criteria: Invitae Variant Classification Sherloc (09022015). Collection method: clinical testing. Allele origin: germline.
Comment: This sequence change creates a premature translational stop signal (p.Tyr1818Cysfs*3) in the NEB gene. It is expected to result in an absent or disrupted protein product. Loss-of-function variants in NEB are known to be pathogenic (PMID: 25205138). For these reasons, this variant has been classified as Pathogenic. Algorithms developed to predict the effect of sequence changes on RNA splicing suggest that this variant may disrupt the consensus splice site. This variant has not been reported in the literature in individuals affected with NEB-related conditions. This variant is not present in population databases (gnomAD no frequency).

Literature cited by the submitters: PubMed 25205138.

NM_001164508.2(NEB):c.5440_5449dup (p.Tyr1818delinsCysGlnTer)

Gene: NEB (nebulin; minus strand). Cytogenetic location: 2q23.3.
Variant type: Duplication.
Coding change: c.5440_5449dup on transcript NM_001164508.2 (MANE Select); coding-DNA positions 5440 to 5449, 10 bases duplicated (TGCCAGTGAT; older notation c.5440_5449dupTGCCAGTGAT).
Protein change: p.Tyr1818delinsCysGlnTer.
Molecular consequence: nonsense.
Genome position (GRCh38, 1-based): chr2:151,664,501-151,664,510, ATCACTGGCA duplicated on the plus strand (TGCCAGTGAT on the coding strand, the reverse complement: NEB is on the minus strand); duplicating any 10 consecutive bases within chr2:151,664,501-151,664,512 gives the same sequence; the c. name uses the placement nearest the transcript's 3' end. VCF-style (leftmost placement, unchanged base first): chr2-151664500-C-CATCACTGGCA. GRCh37 (hg19) VCF-style: chr2-152521014-C-CATCACTGGCA.
Other names: c.5440_5449dup, p.Tyr1818delinsCysGlnTer (NM_001164507.2, NM_001271208.2, NM_004543.5).
Identifiers: ClinVar variation 2861749 (VCV002861749.3), dbSNP rs2552256930, ClinGen allele CA2739271414.